The following is an entry in ClinVar:

ClinVar aggregate classification (germline): Likely benign. Review status: criteria provided, multiple submitters, no conflicts (2 of 4 stars). 2 submissions from 2 submitters: Likely benign (2). Last evaluated 2025-06-30.

Conditions:
Hermansky-Pudlak syndrome 2 (HPS2). Also called: Platelet defects and oculocutaneous albinism. Identifiers: Orphanet 183678, Orphanet 79430, MedGen C1842362, MONDO:0011997, OMIM 608233.

Allele frequency attached by ClinVar (database versions not stated): gnomAD exomes 0.00001; ExAC 0.00003.
gnomAD v4.1: 12 of 1,552,002 alleles (0.00077%); highest among the groups gnomAD compares: South Asian, 0.013%; no homozygotes.

Submissions (2):

Mayo Clinic Laboratories, Mayo Clinic
Classification: Likely benign. Last evaluated: 2025-06-30. Review status: criteria provided, single submitter. Criteria: ACMG Guidelines, 2015. Collection method: clinical testing. Allele origin: germline. Observed: 1 variant allele.
Comment: BP4, BP7, PM2_supporting

Labcorp Genetics (formerly Invitae), Labcorp
Classification: Likely benign for Hermansky-Pudlak syndrome 2. Last evaluated: 2023-07-10. Review status: criteria provided, single submitter. Criteria: Invitae Variant Classification Sherloc (09022015). Collection method: clinical testing. Allele origin: germline.

NM_003664.5(AP3B1):c.2427A>G (p.Arg809=)

Gene: AP3B1 (adaptor related protein complex 3 subunit beta 1; minus strand). Cytogenetic location: 5q14.1.
Variant type: single nucleotide variant.
Coding change: c.2427A>G on transcript NM_003664.5 (MANE Select); coding-DNA position 2427, A replaced by G.
Protein change: p.Arg809=; no amino-acid change (arginine 809 retained).
Molecular consequence: synonymous variant.
Genome position (GRCh38, 1-based): chr5:78,100,996, T>C on the plus strand (A>G on the coding strand, the complement: AP3B1 is on the minus strand). VCF-style: chr5-78100996-T-C. GRCh37 (hg19) VCF-style: chr5-77396820-T-C.
Other names: p.Arg809=; c.2280A>G, p.Arg760= (NM_001271769.2); c.2427A>G, p.Arg809= (NM_001410752.1).
Identifiers: ClinVar variation 2788282 (VCV002788282.4), dbSNP rs760360560, ClinGen allele CA3316774.